The following is an entry in ClinVar:

NM_000051.4(ATM):c.6323dup (p.Trp2109fs)

Genes: ATM (ATM serine/threonine kinase; plus strand), C11orf65 (chromosome 11 open reading frame 65; minus strand). Cytogenetic location: 11q22.3.
Variant type: Duplication.
Coding change: c.6323dup on transcript NM_000051.4 (MANE Select); coding-DNA position 6323, one base duplicated (A; older notation c.6323dupA).
Protein change: p.Trp2109fs; shifts the reading frame from tryptophan 2109.
Molecular consequence: frameshift variant. On other transcripts: intron variant (2).
Genome position (GRCh38, 1-based): chr11:108,317,497, A duplicated. VCF-style (leftmost placement, unchanged base first): chr11-108317496-C-CA. GRCh37 (hg19) VCF-style: chr11-108188223-C-CA.
Other names: c.6323dup, p.Trp2109fs (NM_001351834.2); c.641-8426dup (NM_001330368.2); c.*39-8426dup (NM_001351110.2); c.6323dupA (NM_000051.3); short protein forms W2109fs.
Identifiers: ClinVar variation 1075566 (VCV001075566.10), dbSNP rs2136169465, ClinGen allele CA2499220681.

ClinVar aggregate classification (germline): Pathogenic. Review status: criteria provided, multiple submitters, no conflicts (2 of 4 stars). 3 submissions from 3 submitters: Pathogenic (3). Last evaluated 2024-01-29.

Conditions:
Hereditary cancer-predisposing syndrome. Also called: Neoplastic Syndromes, Hereditary; Tumor predisposition; Hereditary Cancer Syndrome; Hereditary neoplastic syndrome. Identifiers: Orphanet 140162, MedGen C0027672, MeSH D009386, MONDO:0015356.
Ataxia-telangiectasia syndrome (AT). Also called: Ataxia telangiectasia (A-T); ATAXIA-TELANGIECTASIA, COMPLEMENTATION GROUP A; ATAXIA-TELANGIECTASIA, FRESNO VARIANT; Ataxia-telangiectasia; Ataxia-telangiectasia, complementation group E; LOUIS-BAR SYNDROME. Identifiers: Orphanet 100, MedGen C0004135, MONDO:0008840, OMIM 208900.
Familial cancer of breast. Also called: Hereditary breast cancer; hereditary breast carcinoma; BREAST CANCER, FAMILIAL. Identifiers: Orphanet 227535, MedGen C0346153, MONDO:0016419, OMIM 114480. Disease mechanism: loss of function.

Submissions (3):

Myriad Genetics, Inc.
Classification: Pathogenic for Familial cancer of breast. Last evaluated: 2024-01-29. Review status: criteria provided, single submitter. Criteria: Myriad Autosomal Dominant, Autosomal Recessive and X-Linked Classification Criteria (2023). Collection method: clinical testing. Allele origin: unknown.
Comment: This variant is considered pathogenic. This variant creates a frameshift predicted to result in premature protein truncation.

Labcorp Genetics (formerly Invitae), Labcorp
Classification: Pathogenic for Ataxia-telangiectasia syndrome. Last evaluated: 2021-09-20. Review status: criteria provided, single submitter. Criteria: Invitae Variant Classification Sherloc (09022015). Collection method: clinical testing. Allele origin: germline.
Comment: Loss-of-function variants in ATM are known to be pathogenic (PMID: 23807571, 25614872). For these reasons, this variant has been classified as Pathogenic. Algorithms developed to predict the effect of sequence changes on RNA splicing suggest that this variant may create or strengthen a splice site, but this prediction has not been confirmed by published transcriptional studies. This variant has not been reported in the literature in individuals with ATM-related conditions. This variant is not present in population databases (ExAC no frequency). This sequence change creates a premature translational stop signal (p.Trp2109Valfs*18) in the ATM gene. It is expected to result in an absent or disrupted protein product.

Ambry Genetics
Classification: Pathogenic for Hereditary cancer-predisposing syndrome. Last evaluated: 2021-08-23. Review status: criteria provided, single submitter. Criteria: Ambry Variant Classification Scheme 2023. Collection method: clinical testing. Allele origin: germline.
Comment: The c.6323dupA pathogenic mutation, located in coding exon 42 of the ATM gene, results from a duplication of A at nucleotide position 6323, causing a translational frameshift with a predicted alternate stop codon (p.W2109Vfs*18). This variant is considered to be rare based on population cohorts in the Genome Aggregation Database (gnomAD). This alteration is expected to result in loss of function by premature protein truncation or nonsense-mediated mRNA decay. As such, this alteration is interpreted as a disease-causing mutation.

Literature cited by the submitters: PubMed 23807571 (cited by Labcorp Genetics (formerly Invitae), Labcorp); PubMed 25614872 (cited by Labcorp Genetics (formerly Invitae), Labcorp).